The following is an entry in ClinVar:

NM_001378030.1(CCDC78):c.752C>A (p.Ala251Asp)

Gene: CCDC78 (coiled-coil domain containing 78; minus strand). Cytogenetic location: 16p13.3.
Variant type: single nucleotide variant.
Coding change: c.752C>A on transcript NM_001378030.1 (MANE Select); coding-DNA position 752, C replaced by A.
Protein change: p.Ala251Asp; replaces alanine 251 with aspartic acid.
Molecular consequence: missense variant. On other transcripts: non-coding transcript variant (5), intron variant (1).
Genome position (GRCh38, 1-based): chr16:724,694, G>T on the plus strand (C>A on the coding strand, the complement: CCDC78 is on the minus strand). VCF-style: chr16-724694-G-T. GRCh37 (hg19) VCF-style: chr16-774694-G-T.
Other names: c.199-185C>A (NM_001378033.1); c.752C>A, p.Ala251Asp (NM_001031737.3, NM_001378031.1); short protein forms A251D.
Identifiers: ClinVar variation 2027518 (VCV002027518.4), dbSNP rs2544014243, ClinGen allele CA394101024.
Genomic context (GRCh38, chr16:724,694, plus strand): 5'-GCCAGGCTTGGGCTCCCTAGGCCTCAGGGTGCTCCTGCAGGGCTCACCACTGCCTGCCAG[G>T]CGCAGTGTTGCAGCCGTAGGACGTACTCATCCTTCAGTTTCTTGAGCTGCAGCTGCAGCC-3'
Protein context (NP_001364959.1, residues 241-261): DEYVLRLQHC[Ala251Asp]WQAVEHADGA

ClinVar aggregate classification (germline): Uncertain significance (1 of 4 stars; one submission).

Conditions:
Congenital myopathy with internal nuclei and atypical cores. Also called: Myopathy, centronuclear, 4. Identifiers: Orphanet 319160, MedGen C4707232, MONDO:0013890, OMIM 614807.

Submission:

Labcorp Genetics (formerly Invitae), Labcorp
Classification: Uncertain significance for Congenital myopathy with internal nuclei and atypical cores. Last evaluated: 2022-01-03. Review status: criteria provided, single submitter. Criteria: Invitae Variant Classification Sherloc (09022015). Collection method: clinical testing. Allele origin: germline.
Comment: Algorithms developed to predict the effect of missense changes on protein structure and function are either unavailable or do not agree on the potential impact of this missense change (SIFT: "Deleterious"; PolyPhen-2: "Possibly Damaging"; Align-GVGD: "Class C0"). In summary, the available evidence is currently insufficient to determine the role of this variant in disease. Therefore, it has been classified as a Variant of Uncertain Significance. This variant has not been reported in the literature in individuals affected with CCDC78-related conditions. This variant is not present in population databases (gnomAD no frequency). This sequence change replaces alanine, which is neutral and non-polar, with aspartic acid, which is acidic and polar, at codon 251 of the CCDC78 protein (p.Ala251Asp).